The following is an entry in ClinVar:

NM_005068.3(SIM1):c.391G>A (p.Ala131Thr)

Gene: SIM1 (SIM bHLH transcription factor 1; minus strand). Cytogenetic location: 6q16.3.
Variant type: single nucleotide variant.
Coding change: c.391G>A on transcript NM_005068.3 (MANE Select); coding-DNA position 391, G replaced by A.
Protein change: p.Ala131Thr; replaces alanine 131 with threonine.
Molecular consequence: missense variant.
Genome position (GRCh38, 1-based): chr6:100,449,657, C>T on the plus strand (G>A on the coding strand, the complement: SIM1 is on the minus strand). VCF-style: chr6-100449657-C-T. GRCh37 (hg19) VCF-style: chr6-100897533-C-T.
Other names: c.391G>A, p.Ala131Thr (NM_001374769.1); short protein forms A131T.
Identifiers: ClinVar variation 4990862 (VCV004990862.1).

ClinVar aggregate classification (germline): Uncertain significance (1 of 4 stars; one submission).

Conditions:
SIM1-related disorder. Also called: SIM1-related disorders; SIM1-related condition.

Submission:

PreventionGenetics, part of Exact Sciences
Classification: Uncertain significance for SIM1-related condition. Last evaluated: 2025-10-15. Review status: criteria provided, single submitter. Criteria: ACMG Guidelines, 2015. Collection method: clinical testing. Allele origin: germline.
Comment: The SIM1 c.391G>A variant is predicted to result in the amino acid substitution p.Ala131Thr. To our knowledge, this variant has not been reported in the literature. This variant is reported in 0.0062% of alleles in individuals of African descent in gnomAD. At this time, the clinical significance of this variant is uncertain due to the absence of conclusive functional and genetic evidence.